The following is an entry in ClinVar:

NM_001164508.2(NEB):c.10165C>T (p.Gln3389Ter)

Gene: NEB (nebulin; minus strand). Cytogenetic location: 2q23.3.
Variant type: single nucleotide variant.
Coding change: c.10165C>T on transcript NM_001164508.2 (MANE Select); coding-DNA position 10165, C replaced by T.
Protein change: p.Gln3389Ter; replaces glutamine 3389 with a stop codon.
Molecular consequence: nonsense.
Genome position (GRCh38, 1-based): chr2:151,627,184, G>A on the plus strand (C>T on the coding strand, the complement: NEB is on the minus strand). VCF-style: chr2-151627184-G-A. GRCh37 (hg19) VCF-style: chr2-152483698-G-A.
Other names: c.10165C>T, p.Gln3389Ter (NM_001164507.2, NM_001271208.2); c.9436C>T, p.Gln3146Ter (NM_004543.5); short protein forms Q3146*, Q3389*.
Identifiers: ClinVar variation 1725548 (VCV001725548.2), dbSNP rs2552236318, ClinGen allele CA348793584.
Genomic context (GRCh38, chr2:151,627,184, plus strand): 5'-TCTTGCACTTGACCACATCCATAGACCCAATGGGGACCCAGCCAATGCCTCTCAGCCACT[G>A]GAGATCAGATTTGTAAATGTTCTGGAGAGATTAAACACAAAAGCGAGTATTACTGAAGTT-3'

ClinVar aggregate classification (germline): Likely pathogenic (1 of 4 stars; one submission).

Conditions:
Nemaline myopathy 2 (NEM2). Also called: Nemaline myopathy 2, autosomal recessive. Identifiers: MedGen C1850569, MONDO:0009725, OMIM 256030.

Submission:

Myriad Genetics, Inc.
Classification: Likely pathogenic for Nemaline myopathy 2. Last evaluated: 2022-03-30. Review status: criteria provided, single submitter. Criteria: Myriad Women's Health Autosomal Recessive and X-Linked Classification Criteria (2021). Collection method: clinical testing. Allele origin: unknown.
Comment: NM_001271208.1(NEB):c.10165C>T(Q3389*) is expected to be pathogenic in the context of NEB-related nemaline myopathy. This variant is predicted to lead to an abnormal or absent protein product due to the creation of a premature termination codon in NEB, a gene where loss-of-function variants are known to be pathogenic. Please note: this variant was assessed in the context of healthy population screening.